The following is an entry in ClinVar:

NM_003482.4(KMT2D):c.12442A>G (p.Met4148Val)

Gene: KMT2D (lysine methyltransferase 2D; minus strand). Cytogenetic location: 12q13.12.
Variant type: single nucleotide variant.
Coding change: c.12442A>G on transcript NM_003482.4 (MANE Select); coding-DNA position 12442, A replaced by G.
Protein change: p.Met4148Val; replaces methionine 4148 with valine.
Molecular consequence: missense variant.
Genome position (GRCh38, 1-based): chr12:49,032,263, T>C on the plus strand (A>G on the coding strand, the complement: KMT2D is on the minus strand). VCF-style: chr12-49032263-T-C. GRCh37 (hg19) VCF-style: chr12-49426046-T-C.
Other names: short protein forms M4148V.
Identifiers: ClinVar variation 1924055 (VCV001924055.5), dbSNP rs2498356968, ClinGen allele CA384711504.

ClinVar aggregate classification (germline): Uncertain significance (1 of 4 stars; one submission).

Conditions:
Kabuki syndrome. Also called: Kabuki make-up syndrome; NIIKAWA-KUROKI SYNDROME. Identifiers: Orphanet 2322, MedGen C0796004, MONDO:0016512.

Submission:

Labcorp Genetics (formerly Invitae), Labcorp
Classification: Uncertain significance for Kabuki syndrome. Last evaluated: 2022-07-18. Review status: criteria provided, single submitter. Criteria: Invitae Variant Classification Sherloc (09022015). Collection method: clinical testing. Allele origin: germline.
Comment: This variant is not present in population databases (gnomAD no frequency). This sequence change replaces methionine, which is neutral and non-polar, with valine, which is neutral and non-polar, at codon 4148 of the KMT2D protein (p.Met4148Val). In summary, the available evidence is currently insufficient to determine the role of this variant in disease. Therefore, it has been classified as a Variant of Uncertain Significance. Advanced modeling of protein sequence and biophysical properties (such as structural, functional, and spatial information, amino acid conservation, physicochemical variation, residue mobility, and thermodynamic stability) performed at Invitae indicates that this missense variant is not expected to disrupt KMT2D protein function. This variant has not been reported in the literature in individuals affected with KMT2D-related conditions.